The following is an entry in ClinVar:

ClinVar aggregate classification (germline): Uncertain significance (1 of 4 stars; one submission).

Conditions:
Left ventricular noncompaction 8 (LVNC8). Identifiers: Orphanet 154, Orphanet 54260, MedGen C3809288, MONDO:0014152, OMIM 615373.

gnomAD v4.1: 14 of 1,603,150 alleles (0.00087%); highest among the groups gnomAD compares: Non-Finnish European, 0.00094%; no homozygotes.

Submission:

Labcorp Genetics (formerly Invitae), Labcorp
Classification: Uncertain significance for Left ventricular noncompaction 8. Last evaluated: 2024-05-22. Review status: criteria provided, single submitter. Criteria: Invitae Variant Classification Sherloc (09022015). Collection method: clinical testing. Allele origin: germline.
Comment: This sequence change replaces tyrosine, which is neutral and polar, with cysteine, which is neutral and slightly polar, at codon 215 of the PRDM16 protein (p.Tyr215Cys). This variant is present in population databases (rs755482445, gnomAD 0.002%). This variant has not been reported in the literature in individuals affected with PRDM16-related conditions. An algorithm developed to predict the effect of missense changes on protein structure and function (PolyPhen-2) suggests that this variant is likely to be tolerated. In summary, the available evidence is currently insufficient to determine the role of this variant in disease. Therefore, it has been classified as a Variant of Uncertain Significance.

NM_022114.4(PRDM16):c.644A>G (p.Tyr215Cys)

Gene: PRDM16 (PR/SET domain 16; plus strand). Cytogenetic location: 1p36.32.
Variant type: single nucleotide variant.
Coding change: c.644A>G on transcript NM_022114.4 (MANE Select); coding-DNA position 644, A replaced by G.
Protein change: p.Tyr215Cys; replaces tyrosine 215 with cysteine.
Molecular consequence: missense variant.
Genome position (GRCh38, 1-based): chr1:3,396,561, A>G. VCF-style: chr1-3396561-A-G. GRCh37 (hg19) VCF-style: chr1-3313125-A-G.
Other names: c.644A>G, p.Tyr215Cys (NM_199454.3); short protein forms Y215C.
Identifiers: ClinVar variation 3730244 (VCV003730244.2).